The following is an entry in ClinVar:

NM_138694.4(PKHD1):c.2822A>G (p.Asp941Gly)

Gene: PKHD1 (PKHD1 ciliary IPT domain containing fibrocystin/polyductin; minus strand). Cytogenetic location: 6p12.2.
Variant type: single nucleotide variant.
Coding change: c.2822A>G on transcript NM_138694.4 (MANE Select); coding-DNA position 2822, A replaced by G.
Protein change: p.Asp941Gly; replaces aspartic acid 941 with glycine.
Molecular consequence: missense variant.
Genome position (GRCh38, 1-based): chr6:52,043,134, T>C on the plus strand (A>G on the coding strand, the complement: PKHD1 is on the minus strand). VCF-style: chr6-52043134-T-C. GRCh37 (hg19) VCF-style: chr6-51907932-T-C.
Other names: c.2822A>G, p.Asp941Gly (NM_170724.3); short protein forms D941G.
Identifiers: ClinVar variation 4979523 (VCV004979523.1).

ClinVar aggregate classification (germline): Uncertain significance (1 of 4 stars; one submission).

Conditions:
PKHD1-related disorder. Also called: PKHD1-related condition.

gnomAD v4.1: 3 of 1,609,146 alleles (0.00019%); no homozygotes.

Submission:

PreventionGenetics, part of Exact Sciences
Classification: Uncertain significance for PKHD1-related condition. Last evaluated: 2025-07-02. Review status: criteria provided, single submitter. Criteria: ACMG Guidelines, 2015. Collection method: clinical testing. Allele origin: germline.
Comment: The PKHD1 c.2822A>G variant is predicted to result in the amino acid substitution p.Asp941Gly. To our knowledge, this variant has not been reported in the literature or in a large population database (gnomAD), indicating this variant is rare. At this time, the clinical significance of this variant is uncertain due to the absence of conclusive functional and genetic evidence.